The following is an entry in ClinVar:

NM_014319.5(LEMD3):c.1393A>G (p.Thr465Ala)

Gene: LEMD3 (LEM domain containing 3; plus strand). Cytogenetic location: 12q14.3.
Variant type: single nucleotide variant.
Coding change: c.1393A>G on transcript NM_014319.5 (MANE Select); coding-DNA position 1393, A replaced by G.
Protein change: p.Thr465Ala; replaces threonine 465 with alanine.
Molecular consequence: missense variant.
Genome position (GRCh38, 1-based): chr12:65,170,989, A>G. VCF-style: chr12-65170989-A-G. GRCh37 (hg19) VCF-style: chr12-65564769-A-G.
Other names: c.1393A>G, p.Thr465Ala (NM_001167614.2); short protein forms T465A.
Identifiers: ClinVar variation 883456 (VCV000883456.4), dbSNP rs376067130, ClinGen allele CA6670894.

ClinVar aggregate classification (germline): Likely benign (1 of 4 stars; one submission).

Conditions:
Dermatofibrosis lenticularis disseminata (BOS). Also called: DERMATOFIBROSIS LENTICULARIS DISSEMINATA WITH OSTEOPOIKILOSIS; DERMATOOSTEOPOIKILOSIS; OSTEOPATHIA CONDENSANS DISSEMINATA. Identifiers: Orphanet 1306, MedGen C0265514, MONDO:0008157, OMIM 166700.

Allele frequency attached by ClinVar (database versions not stated): gnomAD 0.00001 and 0.00003; TOPMed 0.00001; ESP Exome Variant Server 0.00008; ExAC 0.00009.

Submission:

Illumina Laboratory Services, Illumina
Classification: Likely benign for Dermatofibrosis lenticularis disseminata. Last evaluated: 2018-01-13. Review status: criteria provided, single submitter. Criteria: ICSL Variant Classification Criteria 13 December 2019. Collection method: clinical testing. Allele origin: germline.
Comment: This variant was observed in the ICSL laboratory as part of a predisposition screen in an ostensibly healthy population. It had not been previously curated by ICSL or reported in the Human Gene Mutation Database (HGMD: prior to June 1st, 2018), and was therefore a candidate for classification through an automated scoring system. Utilizing variant allele frequency, disease prevalence and penetrance estimates, and inheritance mode, an automated score was calculated to assess if this variant is too frequent to cause the disease. Based on the score and internal cut-off values, a variant classified as likely benign is not then subjected to further curation. The score for this variant resulted in a classification of likely benign for this disease.